The following is an entry in ClinVar:

ClinVar aggregate classification (germline): Benign. Review status: criteria provided, multiple submitters, no conflicts (2 of 4 stars). 3 submissions from 3 submitters: Benign (3). Last evaluated 2019-12-31.

Conditions:
Ewing sarcoma (ES). Also called: Ewing's sarcoma; Ewing's tumor; Ewing tumor. Identifiers: Orphanet 2677, Orphanet 319, MedGen C0553580, MONDO:0012817, OMIM 612219, HP:0012254.

Allele frequency attached by ClinVar (database versions not stated): 1000 Genomes Project 30x 0.00125; 1000 Genomes Project 0.00160; gnomAD 0.00302 and 0.00304; TOPMed 0.00315; gnomAD exomes 0.00386; ESP Exome Variant Server 0.00400.
gnomAD v4.1: 6,046 of 1,589,418 alleles (0.38%); highest among the groups gnomAD compares: Non-Finnish European, 0.46%; 19 homozygotes.

Submissions (8):

Labcorp Genetics (formerly Invitae), Labcorp
Classification: Benign. Last evaluated: 2019-12-31. Review status: criteria provided, single submitter. Criteria: Invitae Variant Classification Sherloc (09022015). Collection method: clinical testing. Allele origin: germline.

Centre for Mendelian Genomics, University Medical Centre Ljubljana
Classification: Benign for Ewing sarcoma. Last evaluated: 2019-04-08. Review status: criteria provided, single submitter. Criteria: ACMG Guidelines, 2015. Collection method: clinical testing. Allele origin: unknown. Affected: yes.
Comment: This variant was classified as: Benign. The following ACMG criteria were applied in classifying this variant: BS1,BS2.

Breakthrough Genomics
Classification: Benign. Review status: criteria provided, single submitter. Criteria: ACMG Guidelines, 2015. Collection method: not provided. Allele origin: germline. Inheritance: Unknown mechanism. Affected: yes.

Dr. Peter K. Rogan Lab, Western University
No classification provided (evidence only). Condition: Familial cancer of breast. Review status: no classification provided. Collection method: in vitro. Allele origin: not applicable. Functional consequence: retained intron. Not counted in ClinVar's aggregate classification.

Dr. Peter K. Rogan Lab, Western University
No classification provided (evidence only). Condition: Acute myeloid leukemia. Review status: no classification provided. Collection method: in vitro. Allele origin: not applicable. Functional consequence: retained intron. Not counted in ClinVar's aggregate classification.

Dr. Peter K. Rogan Lab, Western University
No classification provided (evidence only). Condition: Acute myeloid leukemia. Review status: no classification provided. Collection method: in vitro. Allele origin: not applicable. Functional consequence: retained intron. Not counted in ClinVar's aggregate classification.

Dr. Peter K. Rogan Lab, Western University
No classification provided (evidence only). Condition: Thymoma. Review status: no classification provided. Collection method: in vitro. Allele origin: not applicable. Functional consequence: retained intron. Not counted in ClinVar's aggregate classification.

Dr. Peter K. Rogan Lab, Western University
No classification provided (evidence only). Condition: Malignant tumor of esophagus. Review status: no classification provided. Collection method: in vitro. Allele origin: not applicable. Functional consequence: retained intron. Not counted in ClinVar's aggregate classification.

NM_005243.4(EWSR1):c.582-9C>G

Gene: EWSR1 (EWS RNA binding protein 1; plus strand). Cytogenetic location: 22q12.2.
Variant type: single nucleotide variant.
Coding change: c.582-9C>G on transcript NM_005243.4 (MANE Select); 9 bases into the intron before coding-DNA position 582, C replaced by G.
Molecular consequence: intron variant.
Genome position (GRCh38, 1-based): chr22:29,286,914, C>G. VCF-style: chr22-29286914-C-G. GRCh37 (hg19) VCF-style: chr22-29682903-C-G.
Other names: NC_000022.10:g.29682903C>G; c.600-9C>G (NM_013986.4); c.582-9C>G (NM_001163285.2, NM_001163287.2); c.414-9C>G (NM_001163286.2).
Identifiers: ClinVar variation 773619 (VCV000773619.9), dbSNP rs189387468, ClinGen allele CA10171494.